The following is an entry in ClinVar:

ClinVar aggregate classification (germline): Uncertain significance. Review status: criteria provided, multiple submitters, no conflicts (2 of 4 stars). 2 submissions from 2 submitters: Uncertain significance (2). Last evaluated 2026-01-02.

Conditions:
Familial hemophagocytic lymphohistiocytosis 3 (FHL3). Also called: UNC13D-Related Familial Hemophagocytic Lymphohistiocytosis (UNC13D-fHLH). Identifiers: Orphanet 540, MedGen C1837174, MONDO:0012146, OMIM 608898.
Inborn genetic diseases. Identifiers: MedGen C0950123, MeSH D030342.

Allele frequency attached by ClinVar (database versions not stated): gnomAD exomes 0.00001; gnomAD 0.00012 and 0.00013; TOPMed 0.00030.
gnomAD v4.1: 39 of 1,613,920 alleles (0.0024%); highest among the groups gnomAD compares: Admixed American, 0.038%; no homozygotes.

Submissions (2):

Labcorp Genetics (formerly Invitae), Labcorp
Classification: Uncertain significance for Familial hemophagocytic lymphohistiocytosis 3. Last evaluated: 2026-01-02. Review status: criteria provided, single submitter. Criteria: Invitae Variant Classification Sherloc (09022015). Collection method: clinical testing. Allele origin: germline.
Comment: This sequence change replaces arginine, which is basic and polar, with histidine, which is basic and polar, at codon 507 of the UNC13D protein (p.Arg507His). This variant is present in population databases (no rsID available, gnomAD 0.004%). This variant has not been reported in the literature in individuals affected with UNC13D-related conditions. ClinVar contains an entry for this variant (Variation ID: 1019118). Invitae Evidence Modeling of protein sequence and biophysical properties (such as structural, functional, and spatial information, amino acid conservation, physicochemical variation, residue mobility, and thermodynamic stability) indicates that this missense variant is not expected to disrupt UNC13D protein function with a negative predictive value of 80%. In summary, the available evidence is currently insufficient to determine the role of this variant in disease. Therefore, it has been classified as a Variant of Uncertain Significance.

Ambry Genetics
Classification: Uncertain significance for Inborn genetic diseases. Last evaluated: 2025-11-26. Review status: criteria provided, single submitter. Criteria: Ambry Variant Classification Scheme 2023. Collection method: clinical testing. Allele origin: germline.

NM_199242.3(UNC13D):c.1520G>A (p.Arg507His)

Gene: UNC13D (unc-13 homolog D; minus strand). Cytogenetic location: 17q25.1.
Variant type: single nucleotide variant.
Coding change: c.1520G>A on transcript NM_199242.3 (MANE Select); coding-DNA position 1520, G replaced by A.
Protein change: p.Arg507His; replaces arginine 507 with histidine.
Molecular consequence: missense variant.
Genome position (GRCh38, 1-based): chr17:75,836,036, C>T on the plus strand (G>A on the coding strand, the complement: UNC13D is on the minus strand). VCF-style: chr17-75836036-C-T. GRCh37 (hg19) VCF-style: chr17-73832117-C-T.
Other names: c.1520G>A (NM_199242.2); short protein forms R507H.
Identifiers: ClinVar variation 1019118 (VCV001019118.8), dbSNP rs866295247, ClinGen allele CA294086933.